The following is an entry in ClinVar:

ClinVar aggregate classification (germline): Uncertain significance (1 of 4 stars; one submission).

Conditions:
Baller-Gerold syndrome (BGS). Also called: CRANIOSYNOSTOSIS WITH RADIAL DEFECTS. Identifiers: Orphanet 1225, MedGen C0265308, MONDO:0009039, OMIM 218600.

Allele frequency attached by ClinVar (database versions not stated): gnomAD below 0.00001 and 0.00001; TOPMed below 0.00001; gnomAD exomes 0.00001 and 0.00002; ExAC 0.00002.

Submission:

Labcorp Genetics (formerly Invitae), Labcorp
Classification: Uncertain significance for Baller-Gerold syndrome. Last evaluated: 2022-07-29. Review status: criteria provided, single submitter. Criteria: Invitae Variant Classification Sherloc (09022015). Collection method: clinical testing. Allele origin: germline.
Comment: In summary, the available evidence is currently insufficient to determine the role of this variant in disease. Therefore, it has been classified as a Variant of Uncertain Significance. Experimental studies and prediction algorithms are not available or were not evaluated, and the functional significance of this variant is currently unknown. ClinVar contains an entry for this variant (Variation ID: 1036901). This variant has not been reported in the literature in individuals affected with RECQL4-related conditions. This variant is present in population databases (rs758299060, gnomAD 0.01%). This sequence change replaces alanine, which is neutral and non-polar, with glycine, which is neutral and non-polar, at codon 395 of the RECQL4 protein (p.Ala395Gly).

NM_004260.4(RECQL4):c.1184C>G (p.Ala395Gly)

Gene: RECQL4 (RecQ like helicase 4; minus strand). Cytogenetic location: 8q24.3.
Variant type: single nucleotide variant.
Coding change: c.1184C>G on transcript NM_004260.4 (MANE Select); coding-DNA position 1184, C replaced by G.
Protein change: p.Ala395Gly; replaces alanine 395 with glycine.
Molecular consequence: missense variant.
Genome position (GRCh38, 1-based): chr8:144,515,838, G>C on the plus strand (C>G on the coding strand, the complement: RECQL4 is on the minus strand). VCF-style: chr8-144515838-G-C. GRCh37 (hg19) VCF-style: chr8-145741222-G-C.
Other names: short protein forms A395G.
Identifiers: ClinVar variation 1036901 (VCV001036901.5), dbSNP rs758299060, ClinGen allele CA4948993.